The following is an entry in ClinVar:

NM_031263.4(HNRNPK):c.1009-1G>A

Gene: HNRNPK (heterogeneous nuclear ribonucleoprotein K; minus strand). Cytogenetic location: 9q21.32.
Variant type: single nucleotide variant.
Coding change: c.1009-1G>A on transcript NM_031263.4 (MANE Select); the canonical splice acceptor site of the intron before coding-DNA position 1009, G replaced by A.
Molecular consequence: splice acceptor variant.
Genome position (GRCh38, 1-based): chr9:83,971,357, C>T on the plus strand (G>A on the coding strand, the complement: HNRNPK is on the minus strand). VCF-style: chr9-83971357-C-T. GRCh37 (hg19) VCF-style: chr9-86586272-C-T.
Other names: c.1009-1G>A (NM_031262.4, NM_002140.5, NM_001318188.2); c.937-1G>A (NM_001318186.2, NM_001318187.2).
Identifiers: ClinVar variation 2659281 (VCV002659281.24), dbSNP rs2491962812, ClinGen allele CA373921901.

ClinVar aggregate classification (germline): Uncertain significance (1 of 4 stars; one submission).

Submission:

CeGaT Center for Human Genetics Tuebingen
Classification: Uncertain significance. Last evaluated: 2023-07-01. Review status: criteria provided, single submitter. Criteria: CeGaT Center For Human Genetics Tuebingen Variant Classification Criteria Version 2. Collection method: clinical testing. Allele origin: germline. Affected: yes. Observed: 1 variant allele.
Comment: HNRNPK: PM2, PVS1:Moderate